The following is an entry in ClinVar:

NM_032634.4(PIGO):c.2030T>G (p.Leu677Arg)

Gene: PIGO (phosphatidylinositol glycan anchor biosynthesis class O; minus strand). Cytogenetic location: 9p13.3.
Variant type: single nucleotide variant.
Coding change: c.2030T>G on transcript NM_032634.4 (MANE Select); coding-DNA position 2030, T replaced by G.
Protein change: p.Leu677Arg; replaces leucine 677 with arginine.
Molecular consequence: missense variant. On other transcripts: intron variant (2).
Genome position (GRCh38, 1-based): chr9:35,091,857, A>C on the plus strand (T>G on the coding strand, the complement: PIGO is on the minus strand). VCF-style: chr9-35091857-A-C. GRCh37 (hg19) VCF-style: chr9-35091854-A-C.
Other names: c.1345-566T>G (NM_152850.4, NM_001201484.2); short protein forms L677R.
Identifiers: ClinVar variation 642546 (VCV000642546.10), dbSNP rs1587164392, ClinGen allele CA373320921.

ClinVar aggregate classification (germline): Uncertain significance (1 of 4 stars; one submission).

Conditions:
Hyperphosphatasia with impaired intellectual development syndrome 2. Also called: Hyperphosphatasia with intellectual disability syndrome 2; GLYCOSYLPHOSPHATIDYLINOSITOL BIOSYNTHESIS DEFECT 6. Identifiers: Orphanet 247262, MedGen C3553637, MONDO:0013882, OMIM 614749.

Submission:

Labcorp Genetics (formerly Invitae), Labcorp
Classification: Uncertain significance for Hyperphosphatasia with impaired intellectual development syndrome 2. Last evaluated: 2019-05-08. Review status: criteria provided, single submitter. Criteria: Invitae Variant Classification Sherloc (09022015). Collection method: clinical testing. Allele origin: germline.
Comment: In summary, the available evidence is currently insufficient to determine the role of this variant in disease. Therefore, it has been classified as a Variant of Uncertain Significance. Algorithms developed to predict the effect of missense changes on protein structure and function are either unavailable or do not agree on the potential impact of this missense change (SIFT: "Deleterious"; PolyPhen-2: "Probably Damaging"; Align-GVGD: "Class C0"). This variant has not been reported in the literature in individuals with PIGO-related disease. This variant is not present in population databases (ExAC no frequency). This sequence change replaces leucine with arginine at codon 677 of the PIGO protein (p.Leu677Arg). The leucine residue is highly conserved and there is a moderate physicochemical difference between leucine and arginine.